The following is an entry in ClinVar:

NM_170606.3(KMT2C):c.14612G>A (p.Ser4871Asn)

Gene: KMT2C (lysine methyltransferase 2C; minus strand). Cytogenetic location: 7q36.1.
Variant type: single nucleotide variant.
Coding change: c.14612G>A on transcript NM_170606.3 (MANE Select); coding-DNA position 14612, G replaced by A.
Protein change: p.Ser4871Asn; replaces serine 4871 with asparagine.
Molecular consequence: missense variant.
Genome position (GRCh38, 1-based): chr7:152,138,827, C>T on the plus strand (G>A on the coding strand, the complement: KMT2C is on the minus strand). VCF-style: chr7-152138827-C-T. GRCh37 (hg19) VCF-style: chr7-151835912-C-T.
Other names: short protein forms S4871N.
Identifiers: ClinVar variation 3362170 (VCV003362170.1).
Genomic context (GRCh38, chr7:152,138,827, plus strand): 5'-ATGGCAGATGCAATCTCTCACACTCTTACCTCTTCTCCTTTCTGGATTCTCCGACTGGAG[C>T]TGATGATAATTTTGTGTCCTCTCTCAAAAGTCACCACTTCAGCCACACAATTAGGTGCAC-3'
Protein context (NP_733751.2, residues 4861-4881): TFERGHKIII[Ser4871Asn]SSRRIQKGEE

ClinVar aggregate classification (germline): Uncertain significance (1 of 4 stars; one submission).

gnomAD v4.1: 1 of 1,610,504 alleles (0.000062%); highest among the groups gnomAD compares: Non-Finnish European, 0.000085%; no homozygotes.

Submission:

GeneDx
Classification: Uncertain significance. Last evaluated: 2023-06-01. Review status: criteria provided, single submitter. Criteria: GeneDx Variant Classification Process June 2021. Collection method: clinical testing. Allele origin: germline. Affected: yes.
Comment: In silico analysis supports that this missense variant does not alter protein structure/function; Has not been previously published as pathogenic or benign to our knowledge